The following is an entry in ClinVar:

ClinVar aggregate classification (germline): Uncertain significance. Review status: criteria provided, multiple submitters, no conflicts (2 of 4 stars). 3 submissions from 3 submitters: Uncertain significance (3). Last evaluated 2025-11-05.

Conditions:
Familial thoracic aortic aneurysm and aortic dissection (TAAD). Also called: Thoracic aortic aneurysms and dissections. Identifiers: Orphanet 91387, MedGen C4707243, MONDO:0019625.
Aortic aneurysm, familial thoracic 7 (AAT7). Also called: AORTIC DISSECTION, FAMILIAL, WITH OR WITHOUT AORTIC ANEURYSM. Identifiers: MedGen C3151077, MONDO:0013418, OMIM 613780.

Allele frequency attached by ClinVar (database versions not stated): gnomAD exomes below 0.00001.
gnomAD v4.1: 2 of 1,613,848 alleles (0.00012%); highest among the groups gnomAD compares: Non-Finnish European, 0.00017%; no homozygotes.

Submissions (3):

Labcorp Genetics (formerly Invitae), Labcorp
Classification: Uncertain significance for Aortic aneurysm, familial thoracic 7. Last evaluated: 2025-11-05. Review status: criteria provided, single submitter. Criteria: Invitae Variant Classification Sherloc (09022015). Collection method: clinical testing. Allele origin: germline.
Comment: This sequence change replaces leucine, which is neutral and non-polar, with methionine, which is neutral and non-polar, at codon 1612 of the MYLK protein (p.Leu1612Met). This variant is present in population databases (no rsID available, gnomAD 0.0009%). This variant has not been reported in the literature in individuals affected with MYLK-related conditions. ClinVar contains an entry for this variant (Variation ID: 979101). Invitae Evidence Modeling of protein sequence and biophysical properties (such as structural, functional, and spatial information, amino acid conservation, physicochemical variation, residue mobility, and thermodynamic stability) indicates that this missense variant is not expected to disrupt MYLK protein function with a negative predictive value of 80%. In summary, the available evidence is currently insufficient to determine the role of this variant in disease. Therefore, it has been classified as a Variant of Uncertain Significance.

Ambry Genetics
Classification: Uncertain significance for Familial thoracic aortic aneurysm and aortic dissection. Last evaluated: 2025-08-05. Review status: criteria provided, single submitter. Criteria: Ambry Variant Classification Scheme 2023. Collection method: clinical testing. Allele origin: germline.

Human Genome Sequencing Center Clinical Lab, Baylor College of Medicine
Classification: Uncertain significance for Familial thoracic aortic aneurysm 7. Review status: criteria provided, single submitter. Criteria: ACMG Guidelines, 2015. Collection method: clinical testing. Allele origin: germline.

NM_053025.4(MYLK):c.4834C>A (p.Leu1612Met)

Gene: MYLK (myosin light chain kinase; minus strand). Cytogenetic location: 3q21.1.
Variant type: single nucleotide variant.
Coding change: c.4834C>A on transcript NM_053025.4 (MANE Select); coding-DNA position 4834, C replaced by A.
Protein change: p.Leu1612Met; replaces leucine 1612 with methionine.
Molecular consequence: missense variant.
Genome position (GRCh38, 1-based): chr3:123,640,290, G>T on the plus strand (C>A on the coding strand, the complement: MYLK is on the minus strand). VCF-style: chr3-123640290-G-T. GRCh37 (hg19) VCF-style: chr3-123359137-G-T.
Other names: c.4306C>A, p.Leu1436Met (NM_001321309.2); c.4627C>A, p.Leu1543Met (NM_053026.4, NM_053028.4); c.4834C>A, p.Leu1612Met (NM_053027.4); short protein forms L1436M, L1543M, L1612M.
Identifiers: ClinVar variation 979101 (VCV000979101.3), dbSNP rs1309391189, ClinGen allele CA354225851.